The following is an entry in ClinVar:

ClinVar aggregate classification (germline): Conflicting classifications of pathogenicity. Review status: criteria provided, conflicting classifications (1 of 4 stars). 6 submissions from 6 submitters: Uncertain significance (4); Benign (1). 1 of the submissions does not count toward it. Last evaluated 2024-06-24.

Conditions:
Hereditary cancer-predisposing syndrome. Also called: Neoplastic Syndromes, Hereditary; Hereditary neoplastic syndrome; Tumor predisposition; Hereditary Cancer Syndrome. Identifiers: Orphanet 140162, MedGen C0027672, MeSH D009386, MONDO:0015356.
Familial cancer of breast. Also called: hereditary breast carcinoma; Hereditary breast cancer; BREAST CANCER, FAMILIAL. Identifiers: Orphanet 227535, MedGen C0346153, MONDO:0016419, OMIM 114480. Disease mechanism: loss of function.
Ataxia-telangiectasia syndrome (AT). Also called: Ataxia telangiectasia (A-T); Cerebello-oculocutaneous telangiectasia; Immunodeficiency with ataxia telangiectasia; LOUIS-BAR SYNDROME; AT, COMPLEMENTATION GROUP C; ATAXIA-TELANGIECTASIA, FRESNO VARIANT. Identifiers: Orphanet 100, MedGen C0004135, MONDO:0008840, OMIM 208900.
Ovarian cancer. Also called: OVARIAN CANCER, SOMATIC. Identifiers: Orphanet 213500, MedGen C1140680, MONDO:0008170, OMIM 167000.

Allele frequency attached by ClinVar (database versions not stated): ExAC 0.00001; gnomAD exomes below 0.00001.
gnomAD v4.1: 1 of 1,614,092 alleles (0.000062%); highest among the groups gnomAD compares: East Asian, 0.0022%; no homozygotes.

Submissions (6):

Ambry Genetics
Classification: Uncertain significance for Hereditary cancer-predisposing syndrome. Last evaluated: 2024-06-24. Review status: criteria provided, single submitter. Criteria: Ambry Variant Classification Scheme 2023. Collection method: clinical testing. Allele origin: germline.
Comment: The p.G2496E variant (also known as c.7487G>A), located in coding exon 49 of the ATM gene, results from a G to A substitution at nucleotide position 7487. The glycine at codon 2496 is replaced by glutamic acid, an amino acid with similar properties. This alteration was identified in an individual diagnosed with ovarian cancer (Fu K et al. Sci Rep, 2024 Mar;14:6702). This amino acid position is not well conserved in available vertebrate species. In addition, this alteration is predicted to be tolerated by in silico analysis. Based on the available evidence, the clinical significance of this variant remains unclear.

Fulgent Genetics
Classification: Uncertain significance for Familial cancer of breast; Ataxia-telangiectasia syndrome. Last evaluated: 2024-05-03. Review status: criteria provided, single submitter. Criteria: ACMG Guidelines, 2015. Collection method: clinical testing. Allele origin: germline.

Labcorp Genetics (formerly Invitae), Labcorp
Classification: Uncertain significance for Ataxia-telangiectasia syndrome. Last evaluated: 2024-02-29. Review status: criteria provided, single submitter. Criteria: Invitae Variant Classification Sherloc (09022015). Collection method: clinical testing. Allele origin: germline.
Comment: This sequence change replaces glycine, which is neutral and non-polar, with glutamic acid, which is acidic and polar, at codon 2496 of the ATM protein (p.Gly2496Glu). This variant is present in population databases (rs764478418, gnomAD 0.006%). This variant has not been reported in the literature in individuals affected with ATM-related conditions. ClinVar contains an entry for this variant (Variation ID: 231188). An algorithm developed to predict the effect of missense changes on protein structure and function (PolyPhen-2) suggests that this variant is likely to be tolerated. In summary, the available evidence is currently insufficient to determine the role of this variant in disease. Therefore, it has been classified as a Variant of Uncertain Significance.

Color Diagnostics, LLC DBA Color Health
Classification: Uncertain significance for Hereditary cancer-predisposing syndrome. Last evaluated: 2024-02-05. Review status: criteria provided, single submitter. Criteria: ACMG Guidelines, 2015. Collection method: clinical testing. Allele origin: germline.
Comment: This missense variant replaces glycine with glutamic acid at codon 2496 of the ATM protein. Computational prediction suggests that this variant may not impact protein structure and function. To our knowledge, functional studies have not been reported for this variant. This variant has not been reported in individuals affected with ATM-related disorders in the literature. This variant has been identified in 1/251238 chromosomes in the general population by the Genome Aggregation Database (gnomAD). The available evidence is insufficient to determine the role of this variant in disease conclusively. Therefore, this variant is classified as a Variant of Uncertain Significance.

Laboratory of Molecular Epidemiology of Birth Defects, West China Second University Hospital, Sichuan University
Classification: Benign for Ovarian cancer. Last evaluated: 2022-01-01. Review status: criteria provided, single submitter. Criteria: ACMG Guidelines, 2015. Collection method: clinical testing. Allele origin: germline. Affected: yes.

Natera, Inc.
Classification: Uncertain significance for Ataxia-telangiectasia. Last evaluated: 2021-07-24. Review status: no assertion criteria provided. Collection method: clinical testing. Allele origin: germline. Not counted in ClinVar's aggregate classification.

Literature cited by the submitters: PubMed 38509102 (cited by Ambry Genetics).

NM_000051.4(ATM):c.7487G>A (p.Gly2496Glu)

Genes: ATM (ATM serine/threonine kinase; plus strand), C11orf65 (chromosome 11 open reading frame 65; minus strand). Cytogenetic location: 11q22.3.
Variant type: single nucleotide variant.
Coding change: c.7487G>A on transcript NM_000051.4 (MANE Select); coding-DNA position 7487, G replaced by A.
Protein change: p.Gly2496Glu; replaces glycine 2496 with glutamic acid.
Molecular consequence: missense variant. On other transcripts: intron variant (2).
Genome position (GRCh38, 1-based): chr11:108,330,393, G>A. VCF-style: chr11-108330393-G-A. GRCh37 (hg19) VCF-style: chr11-108201120-G-A.
Other names: c.7487G>A, p.Gly2496Glu (NM_001351834.2); c.641-21322C>T (NM_001330368.2); c.*38+4827C>T (NM_001351110.2); short protein forms G2496E.
Identifiers: ClinVar variation 231188 (VCV000231188.31), dbSNP rs764478418, ClinGen allele CA6266113.